The following is an entry in ClinVar:

NM_000021.4(PSEN1):c.1129A>T (p.Arg377Trp)

Gene: PSEN1 (presenilin 1; plus strand). Cytogenetic location: 14q24.2.
Variant type: single nucleotide variant.
Coding change: c.1129A>T on transcript NM_000021.4 (MANE Select); coding-DNA position 1129, A replaced by T.
Protein change: p.Arg377Trp; replaces arginine 377 with tryptophan.
Molecular consequence: missense variant.
Genome position (GRCh38, 1-based): chr14:73,211,942, A>T. VCF-style: chr14-73211942-A-T. GRCh37 (hg19) VCF-style: chr14-73678650-A-T.
Other names: c.1117A>T, p.Arg373Trp (NM_007318.3); short protein forms R373W, R377W.
Identifiers: ClinVar variation 1450587 (VCV001450587.6), dbSNP rs1555357544, ClinGen allele CA390305683.

ClinVar aggregate classification (germline): Pathogenic (1 of 4 stars; one submission).

Conditions:
Alzheimer disease 3 (AD3). Also called: ALZHEIMER DISEASE, FAMILIAL, 3. Identifiers: Orphanet 1020, MedGen C1843013, MONDO:0011913, OMIM 607822.
Frontotemporal dementia (FTD1). Also called: MULTIPLE SYSTEM TAUOPATHY WITH PRESENILE DEMENTIA; Frontotemporal lobe dementia (FLDEM); Dementia, frontotemporal, with or without parkinsonism; Frontotemporal Dementia with Parkinsonism-17 (FTDP-17); WILHELMSEN-LYNCH DISEASE; FRONTOTEMPORAL DEMENTIA WITH PARKINSONISM. Identifiers: Orphanet 282, MedGen C0338451, MONDO:0017276, OMIM 600274, HP:0002145.
Acne inversa, familial, 3 (ACNINV3). Identifiers: MedGen C3151038, MONDO:0013398, OMIM 613737.
Pick disease. Also called: PICK DISEASE OF BRAIN; Pick's disease; Pick Disease of the Brain; DEMENTIA WITH LOBAR ATROPHY AND NEURONAL CYTOPLASMIC INCLUSIONS; LOBAR ATROPHY OF BRAIN. Identifiers: Orphanet 282, MedGen C0236642, MONDO:0008243, OMIM 172700.

Submission:

Labcorp Genetics (formerly Invitae), Labcorp
Classification: Pathogenic for Alzheimer disease 3; Pick disease; Acne inversa, familial, 3; Frontotemporal dementia. Last evaluated: 2024-03-16. Review status: criteria provided, single submitter. Criteria: Invitae Variant Classification Sherloc (09022015). Collection method: clinical testing. Allele origin: germline.
Comment: This sequence change replaces arginine, which is basic and polar, with tryptophan, which is neutral and slightly polar, at codon 377 of the PSEN1 protein (p.Arg377Trp). This variant is not present in population databases (gnomAD no frequency). This missense change has been observed in individuals with Alzheimer disease (PMID: 21822699, 22475797, 32894632, 33203472; Invitae). ClinVar contains an entry for this variant (Variation ID: 1450587). An algorithm developed to predict the effect of missense changes on protein structure and function (PolyPhen-2) suggests that this variant is likely to be disruptive. Experimental studies have shown that this missense change affects PSEN1 function (PMID: 27930341). For these reasons, this variant has been classified as Pathogenic.

Literature cited by the submitters: PubMed 21822699; PubMed 22475797; PubMed 32894632; PubMed 33203472; PubMed 27930341.